The following is an entry in ClinVar:

NM_021817.3(HAPLN2):c.166C>T (p.Pro56Ser)

Gene: HAPLN2 (hyaluronan and proteoglycan link protein 2; plus strand). Cytogenetic location: 1q23.1.
Variant type: single nucleotide variant.
Coding change: c.166C>T on transcript NM_021817.3 (MANE Select); coding-DNA position 166, C replaced by T.
Protein change: p.Pro56Ser; replaces proline 56 with serine.
Molecular consequence: missense variant.
Genome position (GRCh38, 1-based): chr1:156,623,887, C>T. VCF-style: chr1-156623887-C-T. GRCh37 (hg19) VCF-style: chr1-156593679-C-T.
Other names: NM_021817.3:c.166C>T; short protein forms P56S.
Identifiers: ClinVar variation 3383293 (VCV003383293.1).

ClinVar aggregate classification (germline): Uncertain significance (1 of 4 stars; one submission).

Conditions:
Craniosynostosis syndrome. Also called: Craniosynostosis. Identifiers: Orphanet 1531, MedGen C0010278, MeSH D003398, MONDO:0015469, HP:0001363.

gnomAD v4.1: 2 of 1,586,762 alleles (0.00013%); highest among the groups gnomAD compares: Non-Finnish European, 0.00017%; no homozygotes.

Submission:

Broad Center for Mendelian Genomics, Broad Institute of MIT and Harvard
Classification: Uncertain significance for Craniosynostosis syndrome. Last evaluated: 2024-11-25. Review status: criteria provided, single submitter. Criteria: ACMG Guidelines, 2015. Collection method: curation. Allele origin: germline. Inheritance: Autosomal recessive inheritance. Study: GREGoR Consortium.
Comment: While this gene is still lacking sufficient evidence to establish a gene-disease relationship, we believe this is a possible novel gene candidate for craniosynostosis. Given the limited information about this gene-disease relationship, the significance of the p.Pro56Ser variant is uncertain. If you have any additional information about functional evidence or other individuals with this phenotype that also have variants in HAPLN2 we encourage you to reach out to us.